The following is an entry in ClinVar:

ClinVar aggregate classification (germline): Uncertain significance (1 of 4 stars; one submission).

Conditions:
Autoimmune lymphoproliferative syndrome type 2A (ALPS2A). Also called: CASP10-Related Autoimmune Lymphoproliferative Syndrome; AUTOIMMUNE LYMPHOPROLIFERATIVE SYNDROME, TYPE IIA; Autoimmune lymphoproliferative syndrome type 2. Identifiers: Orphanet 3261, MedGen C1858968, MONDO:0011383, OMIM 603909.

Allele frequency attached by ClinVar (database versions not stated): gnomAD exomes below 0.00001; gnomAD 0.00001; TOPMed 0.00001.
gnomAD v4.1: 6 of 1,612,380 alleles (0.00037%); highest among the groups gnomAD compares: Non-Finnish European, 0.00051%; no homozygotes.

Submission:

Labcorp Genetics (formerly Invitae), Labcorp
Classification: Uncertain significance for Autoimmune lymphoproliferative syndrome type 2A. Last evaluated: 2022-11-22. Review status: criteria provided, single submitter. Criteria: Invitae Variant Classification Sherloc (09022015). Collection method: clinical testing. Allele origin: germline.
Comment: This variant has not been reported in the literature in individuals affected with CASP10-related conditions. In summary, the available evidence is currently insufficient to determine the role of this variant in disease. Therefore, it has been classified as a Variant of Uncertain Significance. Algorithms developed to predict the effect of sequence changes on RNA splicing suggest that this variant may disrupt the consensus splice site. ClinVar contains an entry for this variant (Variation ID: 1404301). This variant is not present in population databases (gnomAD no frequency). This sequence change affects a donor splice site in intron 6 of the CASP10 gene. It is expected to disrupt RNA splicing. Variants that disrupt the donor or acceptor splice site typically lead to a loss of protein function (PMID: 16199547), however the current clinical and genetic evidence is not sufficient to establish whether loss-of-function variants in CASP10 cause disease.

Literature cited by the submitters: PubMed 16199547.

NM_032977.4(CASP10):c.721+1G>A

Gene: CASP10 (caspase 10; plus strand). Cytogenetic location: 2q33.1.
Variant type: single nucleotide variant.
Coding change: c.721+1G>A on transcript NM_032977.4 (MANE Select); the canonical splice donor site of the intron after coding-DNA position 721, G replaced by A.
Molecular consequence: splice donor variant. On other transcripts: intron variant (2).
Genome position (GRCh38, 1-based): chr2:201,203,767, G>A. VCF-style: chr2-201203767-G-A. GRCh37 (hg19) VCF-style: chr2-202068490-G-A.
Other names: c.721+1G>A (NM_032974.5, NM_032976.4, NM_001206524.2); c.685-4308G>A (NM_001206542.2, NM_001230.5).
Identifiers: ClinVar variation 1404301 (VCV001404301.8), dbSNP rs1476766456, ClinGen allele CA350282944.